The following is an entry in ClinVar:

ClinVar aggregate classification (germline): Likely benign (1 of 4 stars; one submission).

Allele frequency attached by ClinVar (database versions not stated): ExAC 0.00002; gnomAD exomes 0.00003; TOPMed 0.00003; gnomAD 0.00005.
gnomAD v4.1: 50 of 1,614,010 alleles (0.0031%); highest among the groups gnomAD compares: Middle Eastern, 0.016%; no homozygotes.

Submission:

CeGaT Center for Human Genetics Tuebingen
Classification: Likely benign. Last evaluated: 2024-02-01. Review status: criteria provided, single submitter. Criteria: CeGaT Center For Human Genetics Tuebingen Variant Classification Criteria Version 2. Collection method: clinical testing. Allele origin: germline. Affected: yes. Observed: 1 variant allele.
Comment: XRCC3: BP4

NM_005432.4(XRCC3):c.133G>A (p.Glu45Lys)

Gene: XRCC3 (X-ray repair cross complementing 3; minus strand). Cytogenetic location: 14q32.33.
Variant type: single nucleotide variant.
Coding change: c.133G>A on transcript NM_005432.4 (MANE Select); coding-DNA position 133, G replaced by A.
Protein change: p.Glu45Lys; replaces glutamic acid 45 with lysine.
Molecular consequence: missense variant.
Genome position (GRCh38, 1-based): chr14:103,708,582, C>T on the plus strand (G>A on the coding strand, the complement: XRCC3 is on the minus strand). VCF-style: chr14-103708582-C-T. GRCh37 (hg19) VCF-style: chr14-104174919-C-T.
Other names: c.133G>A, p.Glu45Lys (NM_001100118.2, NM_001100119.2, NM_001371229.1 and 2 more transcripts); short protein forms E45K.
Identifiers: ClinVar variation 3025542 (VCV003025542.22), dbSNP rs767384633, ClinGen allele CA7366634.
Genomic context (GRCh38, chr14:103,708,582, plus strand): 5'-CTGTAAGGATGCTGCTTCCCCGCAAGTGTAAGGAGGCCGTTCTCAGCAAGTGCCAGACCT[C>T]GGGGCTGGAGAGGTTGGTCAGTCTCTTCAAGTCTGGTCCAGAAAAGTGTAAAACCTCCTT-3'
Protein context (NP_005423.1, residues 35-55): LKRLTNLSSP[Glu45Lys]VWHLLRTASL